The following is an entry in ClinVar:

NM_012203.2(GRHPR):c.735-2A>G

Gene: GRHPR (glyoxylate and hydroxypyruvate reductase; plus strand). Cytogenetic location: 9p13.2.
Variant type: single nucleotide variant.
Coding change: c.735-2A>G on transcript NM_012203.2 (MANE Select); the canonical splice acceptor site of the intron before coding-DNA position 735, A replaced by G.
Molecular consequence: splice acceptor variant.
Genome position (GRCh38, 1-based): chr9:37,432,006, A>G. VCF-style: chr9-37432006-A-G. GRCh37 (hg19) VCF-style: chr9-37432003-A-G.
Identifiers: ClinVar variation 3682474 (VCV003682474.3).

ClinVar aggregate classification (germline): Pathogenic (1 of 4 stars; one submission).

Submission:

Labcorp Genetics (formerly Invitae), Labcorp
Classification: Pathogenic. Last evaluated: 2024-03-29. Review status: criteria provided, single submitter. Criteria: Invitae Variant Classification Sherloc (09022015). Collection method: clinical testing. Allele origin: germline.
Comment: This sequence change affects an acceptor splice site in intron 7 of the GRHPR gene. It is expected to disrupt RNA splicing. Variants that disrupt the donor or acceptor splice site typically lead to a loss of protein function (PMID: 16199547), and loss-of-function variants in GRHPR are known to be pathogenic (PMID: 25644115). This variant is present in population databases (no rsID available, gnomAD 0.0009%). Disruption of this splice site has been observed in individual(s) with GRHPR-related conditions (PMID: 11030416, 28553045). Algorithms developed to predict the effect of sequence changes on RNA splicing suggest that this variant may disrupt the consensus splice site. For these reasons, this variant has been classified as Pathogenic.

Literature cited by the submitters: PubMed 16199547; PubMed 25644115; PubMed 11030416; PubMed 28553045.